The following is an entry in ClinVar:

ClinVar aggregate classification (germline): Pathogenic (1 of 4 stars; one submission).

Conditions:
Familial cancer of breast. Also called: BREAST CANCER, FAMILIAL; Hereditary breast cancer; hereditary breast carcinoma. Identifiers: Orphanet 227535, MedGen C0346153, MONDO:0016419, OMIM 114480. Disease mechanism: loss of function.

Submission:

Myriad Genetics, Inc.
Classification: Pathogenic for Familial cancer of breast. Last evaluated: 2026-07-09. Review status: criteria provided, single submitter. Criteria: Myriad Autosomal Dominant, Autosomal Recessive and X-Linked Classification Criteria (2023). Collection method: clinical testing. Allele origin: unknown.
Comment: This variant is considered pathogenic. This variant creates a termination codon and is predicted to result in premature protein truncation.

NM_007194.4(CHEK2):c.655_658dup (p.Tyr220Ter)

Gene: CHEK2 (checkpoint kinase 2; minus strand). Cytogenetic location: 22q12.1.
Variant type: Duplication.
Coding change: c.655_658dup on transcript NM_007194.4 (MANE Select); coding-DNA positions 655 to 658, 4 bases duplicated (GAAT; older notation c.655_658dupGAAT).
Protein change: p.Tyr220Ter; replaces tyrosine 220 with a stop codon.
Molecular consequence: nonsense. On other transcripts: 5 prime UTR variant (2), intron variant (1).
Genome position (GRCh38, 1-based): chr22:28,719,420-28,719,423, ATTC duplicated on the plus strand (GAAT on the coding strand, the reverse complement: CHEK2 is on the minus strand); duplicating any 4 consecutive bases within chr22:28,719,420-28,719,425 gives the same sequence; the c. name uses the placement nearest the transcript's 3' end. VCF-style (leftmost placement, unchanged base first): chr22-28719419-T-TATTC. GRCh37 (hg19) VCF-style: chr22-29115407-T-TATTC.
Other names: c.784_787dup, p.Tyr263Ter (NM_001005735.3, NM_001438294.1); c.-9_-6dup (NM_001257387.3, NM_001437942.1); c.748_751dup, p.Tyr251Ter (NM_001438293.1, NM_001438295.1); c.655_658dup, p.Tyr220Ter (NM_145862.3); c.482+5463_482+5466dup (NM_001349956.3); short protein forms Y220*, Y251*, Y263*.
Identifiers: ClinVar variation 5042206 (VCV005042206.1).